The following is an entry in ClinVar:

ClinVar aggregate classification (germline): Uncertain significance (1 of 4 stars; one submission).

Submission:

Ambry Genetics
Classification: Uncertain significance. Last evaluated: 2026-03-15. Review status: criteria provided, single submitter. Criteria: Ambry Variant Classification Scheme 2023. Collection method: clinical testing. Allele origin: germline.
Comment: The p.N239T variant (also known as c.716A>C), located in coding exon 6 of the GEN1 gene, results from an A to C substitution at nucleotide position 716. The asparagine at codon 239 is replaced by threonine, an amino acid with similar properties. This amino acid position is conserved. In addition, this alteration is predicted to be tolerated by in silico analysis. Based on the available evidence, the clinical significance of this variant remains unclear.

NM_001130009.3(GEN1):c.716A>C (p.Asn239Thr)

Gene: GEN1 (GEN1 structure-specific endonuclease; plus strand). Cytogenetic location: 2p24.2.
Variant type: single nucleotide variant.
Coding change: c.716A>C on transcript NM_001130009.3 (MANE Select); coding-DNA position 716, A replaced by C.
Protein change: p.Asn239Thr; replaces asparagine 239 with threonine.
Molecular consequence: missense variant.
Genome position (GRCh38, 1-based): chr2:17,771,201, A>C. VCF-style: chr2-17771201-A-C. GRCh37 (hg19) VCF-style: chr2-17952468-A-C.
Other names: c.716A>C, p.Asn239Thr (NM_182625.5); short protein forms N239T.
Identifiers: ClinVar variation 4857935 (VCV004857935.1).